The following is an entry in ClinVar:

NM_007294.4(BRCA1):c.3399_3400delinsGGGCTGGGGAAGACAGACCTACCCTTAATCTGGTGGGCACAATCTAGTCAGCTGCCAGTGAACATAATGCAGGCAGAAAAACCTGAAAAGGTGAGACTGGCCTAGGCTCCCAGCCTCCATCTTTCTCCCATGCTGGATGTTTCCTGCTCAAACATCAGACTCCAAGTTCTTCAGTTTTGAGACTCGGACTGACTCTCCTTGCTCCTTAAGCTTGCAGACAGCCTATTGTGGGACCTTCTGATCATGTAAGTTAATACTTAATAAACTCCCCTTTATATATATT (p.Glu1134delinsGlyTrpGlyArgGlnThrTyrProTer)

Genes: BRCA1 (BRCA1 DNA repair associated; minus strand), LOC126862571 (BRD4-independent group 4 enhancer GRCh37_chr17:41243136-41244335; plus strand). Cytogenetic location: 17q21.31.
Variant type: Indel.
Coding change: c.3399_3400delinsGGGCTGGGGAAGACAGACCTACCCTTAATCTGGTGGGCACAATCTAGTCAGCTGCCAGTGAACATAATGCAGGCAGAAAAACCTGAAAAGGTGAGACTGGCCTAGGCTCCCAGCCTCCATCTTTCTCCCATGCTGGATGTTTCCTGCTCAAACATCAGACTCCAAGTTCTTCAGTTTTGAGACTCGGACTGACTCTCCTTGCTCCTTAAGCTTGCAGACAGCCTATTGTGGGACCTTCTGATCATGTAAGTTAATACTTAATAAACTCCCCTTTATATATATT on transcript NM_007294.4 (MANE Select); coding-DNA positions 3399 to 3400, the reference bases replaced by an inserted sequence.
Protein change: p.Glu1134delinsGlyTrpGlyArgGlnThrTyrProTer.
Molecular consequence: nonsense. On other transcripts: intron variant (135).
Genome position (GRCh38, 1-based): chr17:43,092,131-43,092,132, 2 bases replaced. GRCh37 (hg19): chr17:41,244,148-41,244,149.
Other names: c.3399_3400delinsGGGCTGGGGAAGACAGACCTACCCTTAATCTGGTGGGCACAATCTAGTCAGCTGCCAGTGAACATAATGCAGGCAGAAAAACCTGAAAAGGTGAGACTGGCCTAGGCTCCCAGCCTCCATCTTTCTCCCATGCTGGATGTTTCCTGCTCAAACATCAGACTCCAAGTTCTTCAGTTTTGAGACTCGGACTGACTCTCCTTGCTCCTTAAGCTTGCAGACAGCCTATTGTGGGACCTTCTGATCATGTAAGTTAATACTTAATAAACTCCCCTTTATATATATT, p.Glu1134delinsGlyTrpGlyArgGlnThrTyrProTer (NM_001407593.1, NM_001407594.1, NM_001407596.1 and 30 more transcripts); c.3396_3397delinsGGGCTGGGGAAGACAGACCTACCCTTAATCTGGTGGGCACAATCTAGTCAGCTGCCAGTGAACATAATGCAGGCAGAAAAACCTGAAAAGGTGAGACTGGCCTAGGCTCCCAGCCTCCATCTTTCTCCCATGCTGGATGTTTCCTGCTCAAACATCAGACTCCAAGTTCTTCAGTTTTGAGACTCGGACTGACTCTCCTTGCTCCTTAAGCTTGCAGACAGCCTATTGTGGGACCTTCTGATCATGTAAGTTAATACTTAATAAACTCCCCTTTATATATATT, p.Glu1133delinsGlyTrpGlyArgGlnThrTyrProTer (NM_001407610.1, NM_001407611.1, NM_001407612.1 and 22 more transcripts); c.3390_3391delinsGGGCTGGGGAAGACAGACCTACCCTTAATCTGGTGGGCACAATCTAGTCAGCTGCCAGTGAACATAATGCAGGCAGAAAAACCTGAAAAGGTGAGACTGGCCTAGGCTCCCAGCCTCCATCTTTCTCCCATGCTGGATGTTTCCTGCTCAAACATCAGACTCCAAGTTCTTCAGTTTTGAGACTCGGACTGACTCTCCTTGCTCCTTAAGCTTGCAGACAGCCTATTGTGGGACCTTCTGATCATGTAAGTTAATACTTAATAAACTCCCCTTTATATATATT, p.Glu1131delinsGlyTrpGlyArgGlnThrTyrProTer (NM_001407646.1, NM_001407647.1); c.3276_3277delinsGGGCTGGGGAAGACAGACCTACCCTTAATCTGGTGGGCACAATCTAGTCAGCTGCCAGTGAACATAATGCAGGCAGAAAAACCTGAAAAGGTGAGACTGGCCTAGGCTCCCAGCCTCCATCTTTCTCCCATGCTGGATGTTTCCTGCTCAAACATCAGACTCCAAGTTCTTCAGTTTTGAGACTCGGACTGACTCTCCTTGCTCCTTAAGCTTGCAGACAGCCTATTGTGGGACCTTCTGATCATGTAAGTTAATACTTAATAAACTCCCCTTTATATATATT, p.Glu1093delinsGlyTrpGlyArgGlnThrTyrProTer (NM_001407648.1, NM_001407664.1, NM_001407665.1 and 19 more transcripts); c.3273_3274delinsGGGCTGGGGAAGACAGACCTACCCTTAATCTGGTGGGCACAATCTAGTCAGCTGCCAGTGAACATAATGCAGGCAGAAAAACCTGAAAAGGTGAGACTGGCCTAGGCTCCCAGCCTCCATCTTTCTCCCATGCTGGATGTTTCCTGCTCAAACATCAGACTCCAAGTTCTTCAGTTTTGAGACTCGGACTGACTCTCCTTGCTCCTTAAGCTTGCAGACAGCCTATTGTGGGACCTTCTGATCATGTAAGTTAATACTTAATAAACTCCCCTTTATATATATT, p.Glu1092delinsGlyTrpGlyArgGlnThrTyrProTer (NM_001407649.1, NM_001407670.1, NM_001407671.1 and 11 more transcripts); c.3321_3322delinsGGGCTGGGGAAGACAGACCTACCCTTAATCTGGTGGGCACAATCTAGTCAGCTGCCAGTGAACATAATGCAGGCAGAAAAACCTGAAAAGGTGAGACTGGCCTAGGCTCCCAGCCTCCATCTTTCTCCCATGCTGGATGTTTCCTGCTCAAACATCAGACTCCAAGTTCTTCAGTTTTGAGACTCGGACTGACTCTCCTTGCTCCTTAAGCTTGCAGACAGCCTATTGTGGGACCTTCTGATCATGTAAGTTAATACTTAATAAACTCCCCTTTATATATATT, p.Glu1108delinsGlyTrpGlyArgGlnThrTyrProTer (NM_001407653.1, NM_001407654.1, NM_001407655.1 and 4 more transcripts); c.3318_3319delinsGGGCTGGGGAAGACAGACCTACCCTTAATCTGGTGGGCACAATCTAGTCAGCTGCCAGTGAACATAATGCAGGCAGAAAAACCTGAAAAGGTGAGACTGGCCTAGGCTCCCAGCCTCCATCTTTCTCCCATGCTGGATGTTTCCTGCTCAAACATCAGACTCCAAGTTCTTCAGTTTTGAGACTCGGACTGACTCTCCTTGCTCCTTAAGCTTGCAGACAGCCTATTGTGGGACCTTCTGATCATGTAAGTTAATACTTAATAAACTCCCCTTTATATATATT, p.Glu1107delinsGlyTrpGlyArgGlnThrTyrProTer (NM_001407659.1, NM_001407660.1, NM_001407661.1 and 1 more transcripts); c.662-1100_662-1099delinsGGGCTGGGGAAGACAGACCTACCCTTAATCTGGTGGGCACAATCTAGTCAGCTGCCAGTGAACATAATGCAGGCAGAAAAACCTGAAAAGGTGAGACTGGCCTAGGCTCCCAGCCTCCATCTTTCTCCCATGCTGGATGTTTCCTGCTCAAACATCAGACTCCAAGTTCTTCAGTTTTGAGACTCGGACTGACTCTCCTTGCTCCTTAAGCTTGCAGACAGCCTATTGTGGGACCTTCTGATCATGTAAGTTAATACTTAATAAACTCCCCTTTATATATATT (NM_001408432.1, NM_001408450.1, NM_001408434.1 and 6 more transcripts); and 41 more.
Identifiers: ClinVar variation 2077675 (VCV002077675.4), dbSNP rs2552150904, ClinGen allele CA2580093837.

ClinVar aggregate classification (germline): Pathogenic (1 of 4 stars; one submission).

Conditions:
Hereditary breast ovarian cancer syndrome. Also called: Hereditary breast and ovarian cancer syndrome; Hereditary breast and ovarian cancer syndrome (HBOC); Breast and ovarian cancer; Hereditary breast and/or ovarian cancer syndrome; BRCA1- and BRCA2-Associated Hereditary Breast and Ovarian Cancer; Hereditary breast and ovarian cancer. Identifiers: Orphanet 145, MedGen C0677776, MeSH D061325, MONDO:0003582. Disease mechanism: loss of function.

Submission:

Labcorp Genetics (formerly Invitae), Labcorp
Classification: Pathogenic for Hereditary breast ovarian cancer syndrome. Last evaluated: 2022-05-23. Review status: criteria provided, single submitter. Criteria: Invitae Variant Classification Sherloc (09022015). Collection method: clinical testing. Allele origin: germline.
Comment: This variant has not been reported in the literature in individuals affected with BRCA1-related conditions. For these reasons, this variant has been classified as Pathogenic. Algorithms developed to predict the effect of sequence changes on RNA splicing suggest that this variant may create or strengthen a splice site. This variant is not present in population databases (gnomAD no frequency). This sequence change creates a premature translational stop signal (p.Glu1134Glyfs*9) in the BRCA1 gene. It is expected to result in an absent or disrupted protein product. Loss-of-function variants in BRCA1 are known to be pathogenic (PMID: 20104584).

Literature cited by the submitters: PubMed 20104584.